The following is an entry in ClinVar:

NM_004646.4(NPHS1):c.1930+2T>C

Gene: NPHS1 (NPHS1 adhesion molecule, nephrin; minus strand). Cytogenetic location: 19q13.12.
Variant type: single nucleotide variant.
Coding change: c.1930+2T>C on transcript NM_004646.4 (MANE Select); the canonical splice donor site of the intron after coding-DNA position 1930, T replaced by C.
Molecular consequence: splice donor variant.
Genome position (GRCh38, 1-based): chr19:35,845,366, A>G on the plus strand (T>C on the coding strand, the complement: NPHS1 is on the minus strand). VCF-style: chr19-35845366-A-G. GRCh37 (hg19) VCF-style: chr19-36336268-A-G.
Identifiers: ClinVar variation 4995045 (VCV004995045.1).

ClinVar aggregate classification (germline): Likely pathogenic (1 of 4 stars; one submission).

Conditions:
NPHS1-related disorder. Also called: NPHS1-related condition.

gnomAD v4.1: 2 of 1,614,260 alleles (0.00012%); highest among the groups gnomAD compares: Non-Finnish European, 0.00017%; no homozygotes.

Submission:

PreventionGenetics, part of Exact Sciences
Classification: Likely pathogenic for NPHS1-related condition. Last evaluated: 2025-08-17. Review status: criteria provided, single submitter. Criteria: ACMG Guidelines, 2015. Collection method: clinical testing. Allele origin: germline.
Comment: The NPHS1 c.1930+2T>C variant is predicted to disrupt the GT donor site and interfere with normal splicing. To our knowledge, this variant has not been reported in the literature or in a large population database (gnomAD), indicating this variant is rare. Variants that disrupt the consensus splice donor site in NPHS1 are expected to be pathogenic. This variant is interpreted as likely pathogenic.